The following is an entry in ClinVar:

NM_004655.4(AXIN2):c.1713-3C>T

Gene: AXIN2 (axin 2; minus strand). Cytogenetic location: 17q24.1.
Variant type: single nucleotide variant.
Coding change: c.1713-3C>T on transcript NM_004655.4 (MANE Select); 3 bases into the intron before coding-DNA position 1713, C replaced by T.
Molecular consequence: intron variant.
Genome position (GRCh38, 1-based): chr17:65,537,066, G>A on the plus strand (C>T on the coding strand, the complement: AXIN2 is on the minus strand). VCF-style: chr17-65537066-G-A. GRCh37 (hg19) VCF-style: chr17-63533184-G-A.
Other names: c.1712+258C>T (NM_001363813.1).
Identifiers: ClinVar variation 890281 (VCV000890281.8), dbSNP rs2043937671, ClinGen allele CA1139665830.

ClinVar aggregate classification (germline): Uncertain significance. Review status: criteria provided, multiple submitters, no conflicts (2 of 4 stars). 3 submissions from 3 submitters: Uncertain significance (3). Last evaluated 2024-04-20.

Conditions:
Hereditary cancer-predisposing syndrome. Also called: Neoplastic Syndromes, Hereditary; Hereditary neoplastic syndrome; Tumor predisposition; Hereditary Cancer Syndrome. Identifiers: Orphanet 140162, MedGen C0027672, MeSH D009386, MONDO:0015356.
Oligodontia-cancer predisposition syndrome. Also called: TOOTH AGENESIS-COLORECTAL CANCER SYNDROME. Identifiers: Orphanet 300576, MedGen C1837750, MONDO:0012075, OMIM 608615. Disease mechanism: loss of function.

Submissions (3):

Ambry Genetics
Classification: Uncertain significance for Hereditary cancer-predisposing syndrome. Last evaluated: 2024-04-20. Review status: criteria provided, single submitter. Criteria: Ambry Variant Classification Scheme 2023. Collection method: clinical testing. Allele origin: germline.
Comment: The c.1713-3C>T intronic variant results from a C to T substitution 3 nucleotides upstream from coding exon 6 in the AXIN2 gene. This nucleotide position is conserved on limited sequence alignment. In silico splice site analysis for this alteration is inconclusive; however, direct evidence is insufficient at this time (Ambry internal data). Based on the available evidence, the clinical significance of this variant remains unclear.

Labcorp Genetics (formerly Invitae), Labcorp
Classification: Uncertain significance for Oligodontia-cancer predisposition syndrome. Last evaluated: 2023-06-29. Review status: criteria provided, single submitter. Criteria: Invitae Variant Classification Sherloc (09022015). Collection method: clinical testing. Allele origin: germline.
Comment: This sequence change falls in intron 6 of the AXIN2 gene. It does not directly change the encoded amino acid sequence of the AXIN2 protein. It affects a nucleotide within the consensus splice site. This variant is not present in population databases (gnomAD no frequency). This variant has not been reported in the literature in individuals affected with AXIN2-related conditions. Variants that disrupt the consensus splice site are a relatively common cause of aberrant splicing (PMID: 17576681, 9536098). Algorithms developed to predict the effect of sequence changes on RNA splicing suggest that this variant is not likely to affect RNA splicing. In summary, the available evidence is currently insufficient to determine the role of this variant in disease. Therefore, it has been classified as a Variant of Uncertain Significance. ClinVar contains an entry for this variant (Variation ID: 890281).

Illumina Laboratory Services, Illumina
Classification: Uncertain significance for Oligodontia-cancer predisposition syndrome. Last evaluated: 2018-01-13. Review status: criteria provided, single submitter. Criteria: ICSL Variant Classification Criteria 13 December 2019. Collection method: clinical testing. Allele origin: germline.

Literature cited by the submitters: PubMed 17576681 (cited by Labcorp Genetics (formerly Invitae), Labcorp); PubMed 9536098 (cited by Labcorp Genetics (formerly Invitae), Labcorp).